The following is an entry in ClinVar:

ClinVar aggregate classification (germline): Uncertain significance. Review status: criteria provided, multiple submitters, no conflicts (2 of 4 stars). 2 submissions from 2 submitters: Uncertain significance (2). Last evaluated 2024-10-14.

Conditions:
Hereditary cancer-predisposing syndrome. Also called: Tumor predisposition; Neoplastic Syndromes, Hereditary; Hereditary neoplastic syndrome; Hereditary Cancer Syndrome. Identifiers: Orphanet 140162, MedGen C0027672, MeSH D009386, MONDO:0015356.
Renal cell carcinoma. Identifiers: Orphanet 217071, MedGen C0007134, MeSH D002292, MONDO:0005086, HP:0005584.

Allele frequency attached by ClinVar (database versions not stated): gnomAD exomes below 0.00001.
gnomAD v4.1: 1 of 1,614,104 alleles (0.000062%); highest among the groups gnomAD compares: Non-Finnish European, 0.000085%; no homozygotes.

Submissions (2):

Ambry Genetics
Classification: Uncertain significance for Hereditary cancer-predisposing syndrome. Last evaluated: 2024-10-14. Review status: criteria provided, single submitter. Criteria: Ambry Variant Classification Scheme 2023. Collection method: clinical testing. Allele origin: germline.
Comment: The p.D1283V variant (also known as c.3848A>T), located in coding exon 18 of the MET gene, results from an A to T substitution at nucleotide position 3848. The aspartic acid at codon 1283 is replaced by valine, an amino acid with highly dissimilar properties. This amino acid position is conserved. In addition, this alteration is predicted to be deleterious by in silico analysis. Based on the available evidence, the clinical significance of this variant remains unclear.

Labcorp Genetics (formerly Invitae), Labcorp
Classification: Uncertain significance for Renal cell carcinoma. Last evaluated: 2021-08-16. Review status: criteria provided, single submitter. Criteria: Invitae Variant Classification Sherloc (09022015). Collection method: clinical testing. Allele origin: germline.
Comment: This sequence change replaces aspartic acid with valine at codon 1283 of the MET protein (p.Asp1283Val). The aspartic acid residue is highly conserved and there is a large physicochemical difference between aspartic acid and valine. This variant is not present in population databases (ExAC no frequency). This variant has not been reported in the literature in individuals affected with MET-related conditions. Algorithms developed to predict the effect of missense changes on protein structure and function (SIFT, PolyPhen-2, Align-GVGD) all suggest that this variant is likely to be disruptive. In summary, the available evidence is currently insufficient to determine the role of this variant in disease. Therefore, it has been classified as a Variant of Uncertain Significance.

NM_000245.4(MET):c.3794A>T (p.Asp1265Val)

Gene: MET (MET proto-oncogene, receptor tyrosine kinase; plus strand). Cytogenetic location: 7q31.2.
Variant type: single nucleotide variant.
Coding change: c.3794A>T on transcript NM_000245.4 (MANE Select); coding-DNA position 3794, A replaced by T.
Protein change: p.Asp1265Val; replaces aspartic acid 1265 with valine.
Molecular consequence: missense variant.
Genome position (GRCh38, 1-based): chr7:116,783,465, A>T. VCF-style: chr7-116783465-A-T. GRCh37 (hg19) VCF-style: chr7-116423519-A-T.
Other names: c.3848A>T (NM_001127500.1); c.3848A>T, p.Asp1283Val (NM_001127500.3); c.2504A>T, p.Asp835Val (NM_001324402.2); short protein forms D1265V, D1283V, D835V.
Identifiers: ClinVar variation 1516512 (VCV001516512.7), dbSNP rs2117067679, ClinGen allele CA368992057.